The following is an entry in ClinVar:

ClinVar aggregate classification (germline): Uncertain significance/Uncertain risk allele. Review status: criteria provided, multiple submitters, no conflicts (2 of 4 stars). 2 submissions from 2 submitters: Uncertain significance (1); Uncertain risk allele (1). Last evaluated 2021-08-31.

Conditions:
Hyperinsulinemic hypoglycemia. Also called: Hyperinsulinemic hypoglycemia (disease); Hyperinsulinemia hypoglycemia. Identifiers: Orphanet 443095, MedGen C1864903, MONDO:0005803, HP:0000825.
Deficiency of 3-hydroxyacyl-CoA dehydrogenase. Also called: 3-hydroxyacyl-CoA dehydrogenase deficiency; HADH DEFICIENCY. Identifiers: Orphanet 309127, Orphanet 71212, MedGen C1291230, MONDO:0017715, OMIM 231530.

Allele frequency attached by ClinVar (database versions not stated): gnomAD exomes below 0.00001 and 0.00001; TOPMed below 0.00001; gnomAD 0.00001.
gnomAD v4.1: 8 of 1,613,976 alleles (0.0005%); highest among the groups gnomAD compares: Non-Finnish European, 0.00059%; no homozygotes.

Submissions (2):

Labcorp Genetics (formerly Invitae), Labcorp
Classification: Uncertain significance for Deficiency of 3-hydroxyacyl-CoA dehydrogenase. Last evaluated: 2021-08-31. Review status: criteria provided, single submitter. Criteria: Invitae Variant Classification Sherloc (09022015). Collection method: clinical testing. Allele origin: germline.
Comment: This sequence change replaces glycine with aspartic acid at codon 89 of the HADH protein (p.Gly89Asp). The glycine residue is moderately conserved and there is a moderate physicochemical difference between glycine and aspartic acid. This variant is not present in population databases (ExAC no frequency). This variant has not been reported in the literature in individuals affected with HADH-related conditions. Algorithms developed to predict the effect of missense changes on protein structure and function are either unavailable or do not agree on the potential impact of this missense change (SIFT: "Deleterious"; PolyPhen-2: "Benign"; Align-GVGD: "Class C0"). In summary, the available evidence is currently insufficient to determine the role of this variant in disease. Therefore, it has been classified as a Variant of Uncertain Significance.

Clinical Genomics, Uppaluri K&H Personalized Medicine Clinic
Classification: Uncertain risk allele for Hyperinsulinemic hypoglycemia. Review status: criteria provided, single submitter. Criteria: K & H Uppaluri Personalized Medicine Clinic Variant Classification & Assertion Criteria_Updated V.1. Collection method: research. Allele origin: unknown. Inheritance: Autosomal recessive inheritance.
Comment: Potent mutations in HADH gene are associated with congenital hyperinsulinism, which leads to recurrent hypoglycemia. The condition is exacerbated by stress, fasting or excessive dietary protein. May respond well to diazoxide. However, the role of this particular variant rs1292646768 in congenital hyperinsulinism is yet to be ascertained.

Literature cited by the submitters: PubMed 34547194 (cited by Clinical Genomics, Uppaluri K&H Personalized Medicine Clinic); PubMed 34055426 (cited by Clinical Genomics, Uppaluri K&H Personalized Medicine Clinic); PubMed 29280746 (cited by Clinical Genomics, Uppaluri K&H Personalized Medicine Clinic).

NM_005327.7(HADH):c.266G>A (p.Gly89Asp)

Gene: HADH (hydroxyacyl-CoA dehydrogenase; plus strand). Cytogenetic location: 4q25.
Variant type: single nucleotide variant.
Coding change: c.266G>A on transcript NM_005327.7 (MANE Select); coding-DNA position 266, G replaced by A.
Protein change: p.Gly89Asp; replaces glycine 89 with aspartic acid.
Molecular consequence: missense variant.
Genome position (GRCh38, 1-based): chr4:108,014,435, G>A. VCF-style: chr4-108014435-G-A. GRCh37 (hg19) VCF-style: chr4-108935591-G-A.
Other names: c.266G>A, p.Gly89Asp (NM_001184705.4); c.278G>A, p.Gly93Asp (NM_001331027.2); short protein forms G89D, G93D.
Identifiers: ClinVar variation 640701 (VCV000640701.3), dbSNP rs1292646768, ClinGen allele CA357831195.